The following is an entry in ClinVar:

NM_000498.3(CYP11B2):c.680T>C (p.Leu227Pro)

Genes: CYP11B2 (cytochrome P450 family 11 subfamily B member 2; minus strand), LOC106799834 (CYP11B2 recombination region; plus strand). Cytogenetic location: 8q24.3.
Variant type: single nucleotide variant.
Coding change: c.680T>C on transcript NM_000498.3 (MANE Select); coding-DNA position 680, T replaced by C.
Protein change: p.Leu227Pro; replaces leucine 227 with proline.
Molecular consequence: missense variant.
Genome position (GRCh38, 1-based): chr8:142,914,824, A>G on the plus strand (T>C on the coding strand, the complement: CYP11B2 is on the minus strand). VCF-style: chr8-142914824-A-G. GRCh37 (hg19) VCF-style: chr8-143996240-A-G.
Other names: short protein forms L227P.
Identifiers: ClinVar variation 2674684 (VCV002674684.1), dbSNP rs2488700440, ClinGen allele CA372389565.

ClinVar aggregate classification (germline): Uncertain significance (1 of 4 stars; one submission).

Conditions:
CYP11B2-related disorder.

Submission:

Clinical Biochemistry Laboratory, Health Services Laboratory
Classification: Uncertain significance for CYP11B2-related disorder. Last evaluated: 2023-11-20. Review status: criteria provided, single submitter. Criteria: ACMG Guidelines, 2015. Collection method: clinical testing. Allele origin: germline. Affected: yes.
Comment: ACMG:PM2 PP3 PP4